The following is an entry in ClinVar:

NM_001868.4(CPA1):c.297G>C (p.Glu99Asp)

Gene: CPA1 (carboxypeptidase A1; plus strand). Cytogenetic location: 7q32.2.
Variant type: single nucleotide variant.
Coding change: c.297G>C on transcript NM_001868.4 (MANE Select); coding-DNA position 297, G replaced by C.
Protein change: p.Glu99Asp; replaces glutamic acid 99 with aspartic acid.
Molecular consequence: missense variant.
Genome position (GRCh38, 1-based): chr7:130,381,779, G>C. VCF-style: chr7-130381779-G-C. GRCh37 (hg19) VCF-style: chr7-130021620-G-C.
Other names: short protein forms E99D.
Identifiers: ClinVar variation 1798388 (VCV001798388.2), dbSNP rs782817808, ClinGen allele CA4484749.

ClinVar aggregate classification (germline): Uncertain significance (1 of 4 stars; one submission).

Conditions:
Hereditary pancreatitis (PCTT). Also called: Hereditary chronic pancreatitis; PRSS1-Related Hereditary Pancreatitis. Identifiers: Orphanet 676, MedGen C0238339, MONDO:0008185, OMIM 167800.

Allele frequency attached by ClinVar (database versions not stated): ExAC 0.00001.
gnomAD v4.1: 18 of 1,614,160 alleles (0.0011%); highest among the groups gnomAD compares: African/African-American, 0.0013%; no homozygotes.

Submission:

Ambry Genetics
Classification: Uncertain significance for Hereditary pancreatitis. Last evaluated: 2024-01-31. Review status: criteria provided, single submitter. Criteria: Ambry Variant Classification Scheme 2023. Collection method: clinical testing. Allele origin: germline.
Comment: The p.E99D variant (also known as c.297G>C), located in coding exon 3 of the CPA1 gene, results from a G to C substitution at nucleotide position 297. The glutamic acid at codon 99 is replaced by aspartic acid, an amino acid with highly similar properties. This amino acid position is not well conserved in available vertebrate species, and aspartic acid is the reference amino acid in other vertebrate species. In addition, this alteration is predicted to be tolerated by in silico analysis. Since supporting evidence is limited at this time, the clinical significance of this alteration remains unclear.